The following is an entry in ClinVar:

NM_201596.3(CACNB2):c.1778A>G (p.Glu593Gly)

Gene: CACNB2 (calcium voltage-gated channel auxiliary subunit beta 2; plus strand). Cytogenetic location: 10p12.31.
Variant type: single nucleotide variant.
Coding change: c.1778A>G on transcript NM_201596.3 (MANE Select); coding-DNA position 1778, A replaced by G.
Protein change: p.Glu593Gly; replaces glutamic acid 593 with glycine.
Molecular consequence: missense variant.
Genome position (GRCh38, 1-based): chr10:18,539,519, A>G. VCF-style: chr10-18539519-A-G. GRCh37 (hg19) VCF-style: chr10-18828448-A-G.
Other names: c.1613A>G, p.Glu538Gly (NM_000724.4); c.1580A>G, p.Glu527Gly (NM_001167945.2); c.1499A>G, p.Glu500Gly (NM_001330060.2); c.1520A>G, p.Glu507Gly (NM_001410882.1); c.1634A>G, p.Glu545Gly (NM_201570.3); c.1694A>G, p.Glu565Gly (NM_201571.4); c.1622A>G, p.Glu541Gly (NM_201572.4); c.1616A>G, p.Glu539Gly (NM_201590.3); and 2 more; short protein forms E500G, E507G, E527G, E538G, E539G, E541G, E545G, E555G.
Identifiers: ClinVar variation 4805062 (VCV004805062.1).

ClinVar aggregate classification (germline): Uncertain significance (1 of 4 stars; one submission).

Conditions:
Brugada syndrome 4 (BRGDA4). Identifiers: Orphanet 130, MedGen C2678477, MONDO:0012743, OMIM 611876.

Submission:

Labcorp Genetics (formerly Invitae), Labcorp
Classification: Uncertain significance for Brugada syndrome 4. Last evaluated: 2025-12-26. Review status: criteria provided, single submitter. Criteria: Invitae Variant Classification Sherloc (09022015). Collection method: clinical testing. Allele origin: germline.
Comment: This sequence change replaces glutamic acid, which is acidic and polar, with glycine, which is neutral and non-polar, at codon 539 of the CACNB2 protein (p.Glu539Gly). This variant is not present in population databases (gnomAD no frequency). This variant has not been reported in the literature in individuals affected with CACNB2-related conditions. An algorithm developed to predict the effect of missense changes on protein structure and function (PolyPhen-2) suggests that this variant is likely to be tolerated. In summary, the available evidence is currently insufficient to determine the role of this variant in disease. Therefore, it has been classified as a Variant of Uncertain Significance.